The following is an entry in ClinVar:

ClinVar aggregate classification (germline): Uncertain significance (1 of 4 stars; one submission).

Conditions:
Leukocyte adhesion deficiency 1 (LAD1). Also called: LEUKOCYTE ADHESION DEFICIENCY, TYPE I; LAD 1; Lymphocyte function-associated antigen 1 immunodeficiency; LFA 1 immunodeficiency. Identifiers: Orphanet 2968, Orphanet 99842, MedGen C0398738, MONDO:0007293, OMIM 116920.

gnomAD v4.1: 1 of 1,614,096 alleles (0.000062%); highest among the groups gnomAD compares: South Asian, 0.0011%; no homozygotes.

Submission:

Labcorp Genetics (formerly Invitae), Labcorp
Classification: Uncertain significance for Leukocyte adhesion deficiency 1. Last evaluated: 2020-04-21. Review status: criteria provided, single submitter. Criteria: Invitae Variant Classification Sherloc (09022015). Collection method: clinical testing. Allele origin: germline.
Comment: This variant is not present in population databases (ExAC no frequency). This variant has not been reported in the literature in individuals with ITGB2-related conditions. Algorithms developed to predict the effect of missense changes on protein structure and function (SIFT, PolyPhen-2, Align-GVGD) all suggest that this variant is likely to be tolerated, but these predictions have not been confirmed by published functional studies and their clinical significance is uncertain. In summary, the available evidence is currently insufficient to determine the role of this variant in disease. Therefore, it has been classified as a Variant of Uncertain Significance. This sequence change replaces aspartic acid with glutamic acid at codon 76 of the ITGB2 protein (p.Asp76Glu). The aspartic acid residue is highly conserved and there is a small physicochemical difference between aspartic acid and glutamic acid.

NM_000211.5(ITGB2):c.228C>A (p.Asp76Glu)

Gene: ITGB2 (integrin subunit beta 2; minus strand). Cytogenetic location: 21q22.3.
Variant type: single nucleotide variant.
Coding change: c.228C>A on transcript NM_000211.5 (MANE Select); coding-DNA position 228, C replaced by A.
Protein change: p.Asp76Glu; replaces aspartic acid 76 with glutamic acid.
Molecular consequence: missense variant.
Genome position (GRCh38, 1-based): chr21:44,907,015, G>T on the plus strand (C>A on the coding strand, the complement: ITGB2 is on the minus strand). VCF-style: chr21-44907015-G-T. GRCh37 (hg19) VCF-style: chr21-46326930-G-T.
Other names: c.228C>A, p.Asp76Glu (NM_001127491.3); c.21C>A, p.Asp7Glu (NM_001303238.2); short protein forms D76E, D7E.
Identifiers: ClinVar variation 1002149 (VCV001002149.9), dbSNP rs368629638, ClinGen allele CA410479712.